The following is an entry in ClinVar:

ClinVar aggregate classification (germline): Uncertain significance. Review status: criteria provided, multiple submitters, no conflicts (2 of 4 stars). 3 submissions from 3 submitters: Uncertain significance (3). Last evaluated 2023-04-28.

Conditions:
X-linked intellectual disability, Cantagrel type (XLID98). Also called: INTELLECTUAL DEVELOPMENTAL DISORDER, X-LINKED 98. Identifiers: Orphanet 85277, MedGen C3806730, MONDO:0010483, OMIM 300912.

Allele frequency attached by ClinVar (database versions not stated): gnomAD below 0.00001 and 0.00001; gnomAD exomes 0.00001 and 0.00002.
gnomAD v4.1: 18 of 1,209,612 alleles (0.0015%); highest among the groups gnomAD compares: South Asian, 0.026%; no homozygotes.

Submissions (3):

Labcorp Genetics (formerly Invitae), Labcorp
Classification: Uncertain significance. Last evaluated: 2023-04-28. Review status: criteria provided, single submitter. Criteria: Invitae Variant Classification Sherloc (09022015). Collection method: clinical testing. Allele origin: germline.
Comment: This sequence change replaces asparagine, which is neutral and polar, with serine, which is neutral and polar, at codon 1352 of the NEXMIF protein (p.Asn1352Ser). In summary, the available evidence is currently insufficient to determine the role of this variant in disease. Therefore, it has been classified as a Variant of Uncertain Significance. An algorithm developed to predict the effect of missense changes on protein structure and function (PolyPhen-2) suggests that this variant is likely to be tolerated. ClinVar contains an entry for this variant (Variation ID: 953067). This variant has not been reported in the literature in individuals affected with NEXMIF-related conditions. The frequency data for this variant in the population databases is considered unreliable, as metrics indicate poor data quality at this position in the gnomAD database.

Foundation for Research in Genetics and Endocrinology, FRIGE's Institute of Human Genetics
Classification: Uncertain significance for X-linked intellectual disability, Cantagrel type. Last evaluated: 2020-04-25. Review status: criteria provided, single submitter. Criteria: ACMG Guidelines, 2015. Collection method: clinical testing. Allele origin: germline. Inheritance: X-linked dominant inheritance. Affected: yes. Observed: 1 heterozygote.
Comment: A heterozygous missense variation in exon 3 of the NEXMIF gene that results in the amino acid substitution of Serine for Asparagine at codon 1352 was detected. The observed variant c.4055A>G (p.Asn1352Ser) has not been reported in the 1000 genomes and ExAC databases. The in silico prediction of the variant is damaging by MutationTaster2. The reference codon is conserved across mammals. In summary, the variants meets our criteria to be classified as a variant of uncertain significance.

Baylor Genetics
Classification: Uncertain significance for X-linked intellectual disability, Cantagrel type. Last evaluated: 2018-01-13. Review status: criteria provided, single submitter. Criteria: ACMG Guidelines, 2015. Collection method: clinical testing. Allele origin: maternal. Affected: yes.
Comment: This variant was determined to be of uncertain significance according to ACMG Guidelines, 2015 [PMID:25741868].

NM_001008537.3(NEXMIF):c.4055A>G (p.Asn1352Ser)

Gene: NEXMIF (neurite extension and migration factor; minus strand). Cytogenetic location: Xq13.3.
Variant type: single nucleotide variant.
Coding change: c.4055A>G on transcript NM_001008537.3 (MANE Select); coding-DNA position 4055, A replaced by G.
Protein change: p.Asn1352Ser; replaces asparagine 1352 with serine.
Molecular consequence: missense variant.
Genome position (GRCh38, 1-based): chrX:74,740,502, T>C on the plus strand (A>G on the coding strand, the complement: NEXMIF is on the minus strand). VCF-style: chrX-74740502-T-C. GRCh37 (hg19) VCF-style: chrX-73960337-T-C.
Other names: short protein forms N1352S.
Identifiers: ClinVar variation 953067 (VCV000953067.13), dbSNP rs1299106178, ClinGen allele CA413664132.